The following is an entry in ClinVar:

ClinVar aggregate classification (germline): Benign (1 of 4 stars; one submission).

Allele frequency attached by ClinVar (database versions not stated): ESP Exome Variant Server 0.00023; gnomAD 0.00182; TOPMed 0.00221; ExAC 0.00237; 1000 Genomes Project 0.00559; 1000 Genomes Project 30x 0.00640.
gnomAD v4.1: 1,721 of 1,613,932 alleles (0.11%); highest among the groups gnomAD compares: Admixed American, 1.4%; 18 homozygotes.

Submission:

CeGaT Center for Human Genetics Tuebingen
Classification: Benign. Last evaluated: 2025-10-01. Review status: criteria provided, single submitter. Criteria: CeGaT Center For Human Genetics Tuebingen Variant Classification Criteria Version 2. Collection method: clinical testing. Allele origin: germline. Affected: yes. Observed: 2 variant alleles.
Comment: MCM10: BP4, BS1, BS2

NM_018518.5(MCM10):c.968G>A (p.Arg323His)

Gene: MCM10 (minichromosome maintenance 10 replication initiation factor; plus strand). Cytogenetic location: 10p13.
Variant type: single nucleotide variant.
Coding change: c.968G>A on transcript NM_018518.5 (MANE Select); coding-DNA position 968, G replaced by A.
Protein change: p.Arg323His; replaces arginine 323 with histidine.
Molecular consequence: missense variant.
Genome position (GRCh38, 1-based): chr10:13,182,970, G>A. VCF-style: chr10-13182970-G-A. GRCh37 (hg19) VCF-style: chr10-13224970-G-A.
Other names: c.971G>A, p.Arg324His (NM_182751.3); short protein forms R323H, R324H.
Identifiers: ClinVar variation 2640311 (VCV002640311.24), dbSNP rs149343572, ClinGen allele CA5411377.